The following is an entry in ClinVar:

NM_001080442.3(SLC38A8):c.376del (p.Gln126fs)

Gene: SLC38A8 (solute carrier family 38 member 8; minus strand). Cytogenetic location: 16q23.3.
Variant type: Deletion.
Coding change: c.376del on transcript NM_001080442.3 (MANE Select); coding-DNA position 376, one base deleted (C; older notation c.376delC).
Protein change: p.Gln126fs; shifts the reading frame from glutamine 126.
Molecular consequence: frameshift variant.
Genome position (GRCh38, 1-based): chr16:84,036,714, G deleted on the plus strand (C on the coding strand, the reverse complement: SLC38A8 is on the minus strand); the first of 2 consecutive G bases (chr16:84,036,714-84,036,715); deleting either gives the same sequence. VCF-style (leftmost placement, unchanged base first): chr16-84036713-TG-T. GRCh37 (hg19) VCF-style: chr16-84070318-TG-T.
Other names: short protein forms Q126fs.
Identifiers: ClinVar variation 2972771 (VCV002972771.3), dbSNP rs1256250716, ClinGen allele CA725018054.

ClinVar aggregate classification (germline): Pathogenic (1 of 4 stars; one submission).

Submission:

Labcorp Genetics (formerly Invitae), Labcorp
Classification: Pathogenic. Last evaluated: 2025-09-28. Review status: criteria provided, single submitter. Criteria: Invitae Variant Classification Sherloc (09022015). Collection method: clinical testing. Allele origin: germline.
Comment: This sequence change creates a premature translational stop signal (p.Gln126Serfs*54) in the SLC38A8 gene. It is expected to result in an absent or disrupted protein product. Loss-of-function variants in SLC38A8 are known to be pathogenic (PMID: 24290379). This variant is not present in population databases (gnomAD no frequency). This variant has not been reported in the literature in individuals affected with SLC38A8-related conditions. ClinVar contains an entry for this variant (Variation ID: 2972771). For these reasons, this variant has been classified as Pathogenic.

Literature cited by the submitters: PubMed 24290379.